The following is an entry in ClinVar:

NM_006901.4(MYO9A):c.6662C>T (p.Pro2221Leu)

Gene: MYO9A (myosin IXA; minus strand). Cytogenetic location: 15q23.
Variant type: single nucleotide variant.
Coding change: c.6662C>T on transcript NM_006901.4 (MANE Select); coding-DNA position 6662, C replaced by T.
Protein change: p.Pro2221Leu; replaces proline 2221 with leucine.
Molecular consequence: missense variant.
Genome position (GRCh38, 1-based): chr15:71,850,087, G>A on the plus strand (C>T on the coding strand, the complement: MYO9A is on the minus strand). VCF-style: chr15-71850087-G-A. GRCh37 (hg19) VCF-style: chr15-72142428-G-A.
Other names: short protein forms P2221L.
Identifiers: ClinVar variation 4999579 (VCV004999579.1).

ClinVar aggregate classification (germline): Uncertain significance (1 of 4 stars; one submission).

Conditions:
MYO9A-related disorder. Also called: MYO9A-related condition.

Submission:

PreventionGenetics, part of Exact Sciences
Classification: Uncertain significance for MYO9A-related condition. Last evaluated: 2025-01-17. Review status: criteria provided, single submitter. Criteria: ACMG Guidelines, 2015. Collection method: clinical testing. Allele origin: germline.
Comment: The MYO9A c.6662C>T variant is predicted to result in the amino acid substitution p.Pro2221Leu. To our knowledge, this variant has not been reported in the literature or in a large population database (gnomAD), indicating this variant is rare. At this time, the clinical significance of this variant is uncertain due to the absence of conclusive functional and genetic evidence.